The following is an entry in ClinVar:

NM_017646.6(TRIT1):c.415-319T>C

Gene: TRIT1 (tRNA isopentenyltransferase 1; minus strand). Cytogenetic location: 1p34.2.
Variant type: single nucleotide variant.
Coding change: c.415-319T>C on transcript NM_017646.6 (MANE Select); 319 bases into the intron before coding-DNA position 415, T replaced by C.
Molecular consequence: intron variant.
Genome position (GRCh38, 1-based): chr1:39,853,195, A>G on the plus strand (T>C on the coding strand, the complement: TRIT1 is on the minus strand). VCF-style: chr1-39853195-A-G. GRCh37 (hg19) VCF-style: chr1-40318867-A-G.
Other names: c.175-319T>C (NM_001312692.1); c.415-319T>C (NM_001312691.1).
Identifiers: ClinVar variation 674169 (VCV000674169.1), dbSNP rs114806141, ClinGen allele CA20971882.
Genomic context (GRCh38, chr1:39,853,195, plus strand): 5'-TAATATGTCTATTTTAGCATATCCAGGAGTCTAGTCTTCTCAGCAAGGGTGAACAAGGAG[A>G]CCAGGATTGCCAGTGAATTACAGTTTACACAGTCTTACCCTACATAGTAGCACCTACGTA-3'

ClinVar aggregate classification (germline): Likely benign (1 of 4 stars; one submission).

Allele frequency attached by ClinVar (database versions not stated): 1000 Genomes Project 0.00339; 1000 Genomes Project 30x 0.00359; gnomAD 0.00412 and 0.00447; TOPMed 0.00442.
gnomAD v4.1: 617 of 152,212 alleles (0.41%); highest among the groups gnomAD compares: African/African-American, 1.4%; 3 homozygotes.

Submission:

GeneDx
Classification: Likely benign. Last evaluated: 2018-06-19. Review status: criteria provided, single submitter. Criteria: GeneDx Variant Classification (06012015). Collection method: clinical testing. Allele origin: germline. Affected: yes.
Comment: This variant is considered likely benign or benign based on one or more of the following criteria: it is a conservative change, it occurs at a poorly conserved position in the protein, it is predicted to be benign by multiple in silico algorithms, and/or has population frequency not consistent with disease.